The following is an entry in ClinVar:

NM_002234.4(KCNA5):c.521_522delinsCC (p.Gly174Ala)

Gene: KCNA5 (potassium voltage-gated channel subfamily A member 5; plus strand). Cytogenetic location: 12p13.32.
Variant type: Indel.
Coding change: c.521_522delinsCC on transcript NM_002234.4 (MANE Select); coding-DNA positions 521 to 522, GT replaced by CC.
Protein change: p.Gly174Ala; replaces glycine 174 with alanine.
Molecular consequence: missense variant.
Genome position (GRCh38, 1-based): chr12:5,044,668-5,044,669, GT replaced by CC. VCF-style: chr12-5044668-GT-CC. GRCh37 (hg19) VCF-style: chr12-5153834-GT-CC.
Other names: short protein forms G174A.
Identifiers: ClinVar variation 572604 (VCV000572604.7), dbSNP rs1565465275, ClinGen allele CA891843471.
Genomic context (GRCh38, chr12:5,044,668, plus strand): 5'-GCTACTTCGACCCCCTGAGGAACGAGTACTTCTTCGACCGCAACCGGCCCAGCTTCGACG[GT>CC]ATCCTCTACTACTACCAGTCCGGGGGCCGCCTGCGGAGGCCGGTCAACGTCTCCCTGGAC-3'
Protein context (NP_002225.2, residues 164-184): FFDRNRPSFD[Gly174Ala]ILYYYQSGGR

ClinVar aggregate classification (germline): Uncertain significance (1 of 4 stars; one submission).

Conditions:
Atrial fibrillation, familial, 7 (ATFB7). Identifiers: MedGen C2677106, MONDO:0012828, OMIM 612240.

Submission:

Labcorp Genetics (formerly Invitae), Labcorp
Classification: Uncertain significance for Atrial fibrillation, familial, 7. Last evaluated: 2023-06-02. Review status: criteria provided, single submitter. Criteria: Invitae Variant Classification Sherloc (09022015). Collection method: clinical testing. Allele origin: germline.
Comment: This sequence change replaces glycine, which is neutral and non-polar, with alanine, which is neutral and non-polar, at codon 174 of the KCNA5 protein (p.Gly174Ala). The frequency data for this variant in the population databases is considered unreliable, as metrics indicate poor data quality at this position in the gnomAD database. In summary, the available evidence is currently insufficient to determine the role of this variant in disease. Therefore, it has been classified as a Variant of Uncertain Significance. An algorithm developed to predict the effect of missense changes on protein structure and function (PolyPhen-2) suggests that this variant is likely to be tolerated. ClinVar contains an entry for this variant (Variation ID: 572604). This variant has not been reported in the literature in individuals affected with KCNA5-related conditions.